The following is an entry in ClinVar:

NM_001278431.2(C1QTNF5):c.648C>T (p.Gly216=)

Genes: C1QTNF5 (C1q and TNF related 5; minus strand), MFRP (membrane frizzled-related protein; minus strand). Cytogenetic location: 11q23.3.
Variant type: single nucleotide variant.
Coding change: c.648C>T on transcript NM_001278431.2 (MANE Select); coding-DNA position 648, C replaced by T.
Protein change: p.Gly216=; no amino-acid change (glycine 216 retained).
Molecular consequence: synonymous variant. On other transcripts: 3 prime UTR variant (1).
Genome position (GRCh38, 1-based): chr11:119,339,415, G>A on the plus strand (C>T on the coding strand, the complement: C1QTNF5 is on the minus strand). VCF-style: chr11-119339415-G-A. GRCh37 (hg19) VCF-style: chr11-119210125-G-A.
Other names: c.648C>T, p.Gly216= (NM_015645.5); c.*1544C>T (NM_031433.4).
Identifiers: ClinVar variation 2863167 (VCV002863167.6), dbSNP rs2497070559, ClinGen allele CA477377350.
Genomic context (GRCh38, chr11:119,339,415, plus strand): 5'-CCAGTCGGAGTACACCAGAAATCCGGAGAAGGTGCTGTCTGTCTTGATGCTGGCATAGAT[G>A]CCAATGTAGTCACCCACACCCACCTGCACCCACACTTGGTCCTCAGGCTCCAGCCTCACC-3'
Protein context (NP_001265360.1, residues 206-226): WVQVGVGDYI[Gly216=]IYASIKTDST

ClinVar aggregate classification (germline): Likely benign. Review status: criteria provided, multiple submitters, no conflicts (2 of 4 stars). 3 submissions from 3 submitters: Likely benign (2). 1 of the submissions does not count toward it. Last evaluated 2023-05-10.

Conditions:
C1QTNF5-related disorder. Also called: C1QTNF5-related condition.

Allele frequency attached by ClinVar (database versions not stated): gnomAD exomes below 0.00001.
gnomAD v4.1: 1 of 1,613,582 alleles (0.000062%); highest among the groups gnomAD compares: Non-Finnish European, 0.000085%; no homozygotes.

Submissions (3):

Labcorp Genetics (formerly Invitae), Labcorp
Classification: Likely benign. Last evaluated: 2023-05-10. Review status: criteria provided, single submitter. Criteria: Invitae Variant Classification Sherloc (09022015). Collection method: clinical testing. Allele origin: germline.

Blueprint Genetics
Classification: Likely benign. Last evaluated: 2022-07-13. Review status: criteria provided, single submitter. Criteria: ACMG Guidelines, 2015. Collection method: clinical testing. Allele origin: germline.

PreventionGenetics, part of Exact Sciences
Classification: Likely benign for C1QTNF5-related condition. Last evaluated: 2021-03-09. Review status: no assertion criteria provided. Collection method: clinical testing. Allele origin: germline. Not counted in ClinVar's aggregate classification.
Comment: This variant is classified as likely benign based on ACMG/AMP sequence variant interpretation guidelines (Richards et al. 2015 PMID: 25741868, with internal and published modifications).